The following is an entry in ClinVar:

NM_001372106.1(DNAH10):c.13192G>A (p.Gly4398Arg)

Genes: DNAH10OS (dynein axonemal heavy chain 10 opposite strand; minus strand), DNAH10 (dynein axonemal heavy chain 10; plus strand). Cytogenetic location: 12q24.31.
Variant type: single nucleotide variant.
Coding change: c.13192G>A on transcript NM_001372106.1 (MANE Select); coding-DNA position 13192, G replaced by A.
Protein change: p.Gly4398Arg; replaces glycine 4398 with arginine.
Molecular consequence: missense variant.
Genome position (GRCh38, 1-based): chr12:123,932,004, G>A. VCF-style: chr12-123932004-G-A. GRCh37 (hg19) VCF-style: chr12-124416551-G-A.
Other names: c.12838G>A, p.Gly4280Arg (NM_207437.3); short protein forms G4280R, G4398R.
Identifiers: ClinVar variation 1217310 (VCV001217310.2), dbSNP rs759073156, ClinGen allele CA387189671.
Genomic context (GRCh38, chr12:123,932,004, plus strand): 5'-TTGGCTGGAGAAGTTGGAATGAGCAATGAGTTAGATGATGTGGCCAGGTCTCTTTTTATC[G>A]GGCATATCCCTAATATCTGGAGAAGGCTTGCTCCTGACACCTTAAAGTCCCTTGGAAACT-3'
Protein context (NP_001359035.1, residues 4388-4408): LDDVARSLFI[Gly4398Arg]HIPNIWRRLA

ClinVar aggregate classification (germline): Likely pathogenic. Review status: criteria provided, single submitter (1 of 4 stars). 2 submissions from 2 submitters: Likely pathogenic (1). 1 of the submissions does not count toward it. Last evaluated 2022-03-15.

Conditions:
Spermatogenic failure 56. Identifiers: MedGen C5561978, MONDO:0030430, OMIM 619515.

Allele frequency attached by ClinVar (database versions not stated): gnomAD 0.00001 and 0.00002; TOPMed 0.00001.
gnomAD v4.1: 12 of 1,613,854 alleles (0.00074%); highest among the groups gnomAD compares: South Asian, 0.0044%; 1 homozygote.

Submissions (2):

SIB Swiss Institute of Bioinformatics
Classification: Likely pathogenic for Spermatogenic failure 56. Last evaluated: 2022-03-15. Review status: criteria provided, single submitter. Criteria: ACMG Guidelines, 2015. Collection method: curation. Allele origin: unknown.
Comment: This variant is interpreted as likely pathogenic for Spermatogenic failure 56, autosomal recessive. The following ACMG Tag(s) were applied: Absent from controls (or at extremely low frequency if recessive) in Exome Sequencing Project, 1000 Genomes Project, or Exome Aggregation Consortium (PM2); Multiple lines of computational evidence support a deleterious effect on the gene or gene product (PP3); Well-established functional studies show a deleterious effect (PS3).

OMIM
Classification: Pathogenic for SPERMATOGENIC FAILURE 56. Last evaluated: 2021-08-31. Review status: no assertion criteria provided. Collection method: literature only. Allele origin: germline. Not counted in ClinVar's aggregate classification.

Literature cited by the submitters: PubMed 34237282 (cited by SIB Swiss Institute of Bioinformatics and OMIM).